The following is an entry in ClinVar:

NM_198129.4(LAMA3):c.8500= (p.Gly2834=)

Gene: LAMA3 (laminin subunit alpha 3; plus strand). Cytogenetic location: 18q11.2.
Variant type: single nucleotide variant.
Coding change: c.8500= on transcript NM_198129.4 (MANE Select); coding-DNA position 8500, no change from the reference sequence.
Protein change: p.Gly2834=; no amino-acid change (glycine 2834 retained).
Molecular consequence: no sequence alteration.
Genome position: GRCh38 VCF-style: chr18-23931125-G-G. GRCh37 (hg19) VCF-style: chr18-21511089-A-G.
Other names: c.3673=, p.Gly1225= (NM_000227.6); c.8332=, p.Gly2778= (NM_001127717.4); c.3505=, p.Gly1169= (NM_001127718.4).
Identifiers: ClinVar variation 255576 (VCV000255576.21), dbSNP rs1154233.

ClinVar aggregate classification (germline): Benign. Review status: criteria provided, multiple submitters, no conflicts (2 of 4 stars). 10 submissions from 7 submitters: Benign (10). Last evaluated 2026-02-04.

Conditions:
Laryngo-onycho-cutaneous syndrome (JEB2C). Also called: SHABBIR SYNDROME; LOGIC SYNDROME; EPIDERMOLYSIS BULLOSA, JUNCTIONAL 2C, LARYNGOONYCHOCUTANEOUS. Identifiers: Orphanet 2407, MedGen C1328355, MONDO:0009513, OMIM 245660.
Junctional epidermolysis bullosa gravis of Herlitz. Also called: EPIDERMOLYSIS BULLOSA JUNCTIONALIS, HERLITZ TYPE; EPIDERMOLYSIS BULLOSA, JUNCTIONAL, HERLITZ-PEARSON TYPE; JEB-HERLITZ TYPE; Herlitz-type junctional epidermolysis bullosa; Epidermolysis Bullosa Letalis; EPIDERMOLYSIS BULLOSA, JUNCTIONAL 1B, SEVERE. Identifiers: Orphanet 79404, MedGen C0079683, MONDO:0009182, OMIM 226700.
Junctional epidermolysis bullosa, non-Herlitz type. Also called: Epidermolysis bullosa, junctional, non-herlitz type, somatic mosaic revertant; EPIDERMOLYSIS BULLOSA JUNCTIONALIS, DISENTIS TYPE; EPIDERMOLYSIS BULLOSA JUNCTIONALIS, NON-HERLITZ TYPE; EPIDERMOLYSIS BULLOSA JUNCTIONALIS, PROGRESSIVE; EPIDERMOLYSIS BULLOSA JUNCTIONALIS, SEVERE NONLETHAL; COL17A1-Related Junctional Epidermolysis Bullosa. Identifiers: Orphanet 251393, Orphanet 79402, Orphanet 79405, Orphanet 89840, MedGen C0268374, MONDO:0009180, OMIM 226650.

Allele frequency attached by ClinVar (database versions not stated): gnomAD 0.99991 and 0.99993; TOPMed 0.99992.

Submissions (10):

Labcorp Genetics (formerly Invitae), Labcorp
Classification: Benign. Last evaluated: 2026-02-04. Review status: criteria provided, single submitter. Criteria: Invitae Variant Classification Sherloc (09022015). Collection method: clinical testing. Allele origin: germline.

Blueprint Genetics
Classification: Benign. Last evaluated: 2024-11-28. Review status: criteria provided, single submitter. Criteria: ACMG Guidelines, 2015. Collection method: clinical testing. Allele origin: germline.

Genome-Nilou Lab
Classification: Benign for Junctional epidermolysis bullosa gravis of Herlitz. Last evaluated: 2021-07-10. Review status: criteria provided, single submitter. Criteria: ACMG Guidelines, 2015. Collection method: clinical testing. Allele origin: germline. Affected: no.

Genome-Nilou Lab
Classification: Benign for Laryngo-onycho-cutaneous syndrome. Last evaluated: 2021-07-10. Review status: criteria provided, single submitter. Criteria: ACMG Guidelines, 2015. Collection method: clinical testing. Allele origin: germline. Affected: no.

Genome-Nilou Lab
Classification: Benign for Junctional epidermolysis bullosa, non-Herlitz type. Last evaluated: 2021-07-10. Review status: criteria provided, single submitter. Criteria: ACMG Guidelines, 2015. Collection method: clinical testing. Allele origin: germline. Affected: no.

Illumina Laboratory Services, Illumina
Classification: Benign for Junctional epidermolysis bullosa gravis of Herlitz. Last evaluated: 2018-01-12. Review status: criteria provided, single submitter. Criteria: ICSL Variant Classification Criteria 13 December 2019. Collection method: clinical testing. Allele origin: germline.
Comment: This variant was observed in the ICSL laboratory as part of a predisposition screen in an ostensibly healthy population. It had not been previously curated by ICSL or reported in the Human Gene Mutation Database (HGMD: prior to June 1st, 2018), and was therefore a candidate for classification through an automated scoring system. Utilizing variant allele frequency, disease prevalence and penetrance estimates, and inheritance mode, an automated score was calculated to assess if this variant is too frequent to cause the disease. Based on the score and internal cut-off values, a variant classified as benign is not then subjected to further curation. The score for this variant resulted in a classification of benign for this disease.

Illumina Laboratory Services, Illumina
Classification: Benign for Laryngo-onycho-cutaneous syndrome. Last evaluated: 2018-01-12. Review status: criteria provided, single submitter. Criteria: ICSL Variant Classification Criteria 13 December 2019. Collection method: clinical testing. Allele origin: germline.
Comment: the same text as in the submission from Illumina Laboratory Services, Illumina above.

GeneDx
Classification: Benign. Last evaluated: 2015-03-03. Review status: criteria provided, single submitter. Criteria: GeneDx Variant Classification Process June 2021. Collection method: clinical testing. Allele origin: germline. Affected: yes.

Breakthrough Genomics
Classification: Benign. Review status: criteria provided, single submitter. Criteria: ACMG Guidelines, 2015. Collection method: not provided. Allele origin: germline. Inheritance: Autosomal recessive inheritance. Affected: yes.

PreventionGenetics, part of Exact Sciences
Classification: Benign. Review status: criteria provided, single submitter. Criteria: ACMG Guidelines, 2015. Collection method: clinical testing. Allele origin: germline.